The following is an entry in ClinVar:

NM_000064.4(C3):c.3647A>C (p.Asp1216Ala)

Gene: C3 (complement C3; minus strand). Cytogenetic location: 19p13.3.
Variant type: single nucleotide variant.
Coding change: c.3647A>C on transcript NM_000064.4 (MANE Select); coding-DNA position 3647, A replaced by C.
Protein change: p.Asp1216Ala; replaces aspartic acid 1216 with alanine.
Molecular consequence: missense variant.
Genome position (GRCh38, 1-based): chr19:6,686,287, T>G on the plus strand (A>C on the coding strand, the complement: C3 is on the minus strand). VCF-style: chr19-6686287-T-G. GRCh37 (hg19) VCF-style: chr19-6686298-T-G.
Other names: short protein forms D1216A.
Identifiers: ClinVar variation 1487278 (VCV001487278.8), dbSNP rs1918007631, ClinGen allele CA403620316.

ClinVar aggregate classification (germline): Uncertain significance (1 of 4 stars; one submission).

Submission:

Labcorp Genetics (formerly Invitae), Labcorp
Classification: Uncertain significance. Last evaluated: 2025-06-09. Review status: criteria provided, single submitter. Criteria: Invitae Variant Classification Sherloc (09022015). Collection method: clinical testing. Allele origin: germline.
Comment: This sequence change replaces aspartic acid, which is acidic and polar, with alanine, which is neutral and non-polar, at codon 1216 of the C3 protein (p.Asp1216Ala). This variant is not present in population databases (gnomAD no frequency). This variant has not been reported in the literature in individuals affected with C3-related conditions. ClinVar contains an entry for this variant (Variation ID: 1487278). An algorithm developed to predict the effect of missense changes on protein structure and function (PolyPhen-2) suggests that this variant is likely to be tolerated. In summary, the available evidence is currently insufficient to determine the role of this variant in disease. Therefore, it has been classified as a Variant of Uncertain Significance.